The following is an entry in ClinVar:

NM_138576.4(BCL11B):c.605C>T (p.Thr202Met)

Gene: BCL11B (BCL11 transcription factor B; minus strand). Cytogenetic location: 14q32.2.
Variant type: single nucleotide variant.
Coding change: c.605C>T on transcript NM_138576.4 (MANE Select); coding-DNA position 605, C replaced by T.
Protein change: p.Thr202Met; replaces threonine 202 with methionine.
Molecular consequence: missense variant. On other transcripts: intron variant (2).
Genome position (GRCh38, 1-based): chr14:99,231,380, G>A on the plus strand (C>T on the coding strand, the complement: BCL11B is on the minus strand). VCF-style: chr14-99231380-G-A. GRCh37 (hg19) VCF-style: chr14-99697717-G-A.
Other names: c.602C>T, p.Thr201Met (NM_001282237.2); c.424+26091C>T (NM_001282238.2); c.427+26091C>T (NM_022898.3); c.605C>T (NM_138576.2); short protein forms T202M, T201M.
Identifiers: ClinVar variation 1417011 (VCV001417011.10), dbSNP rs370505554, ClinGen allele CA7339850.

ClinVar aggregate classification (germline): Conflicting classifications of pathogenicity. Review status: criteria provided, conflicting classifications (1 of 4 stars). 3 submissions from 3 submitters: Uncertain significance (1); Likely benign (2). Last evaluated 2025-07-14.

Conditions:
Inborn genetic diseases. Identifiers: MedGen C0950123, MeSH D030342.

Allele frequency attached by ClinVar (database versions not stated): gnomAD exomes 0.00003 and 0.00005; ExAC 0.00004; gnomAD 0.00004 and 0.00005; TOPMed 0.00004; ESP Exome Variant Server 0.00015.
gnomAD v4.1: 49 of 1,606,482 alleles (0.0031%); highest among the groups gnomAD compares: Admixed American, 0.0051%; no homozygotes.

Submissions (3):

Labcorp Genetics (formerly Invitae), Labcorp
Classification: Uncertain significance. Last evaluated: 2025-07-14. Review status: criteria provided, single submitter. Criteria: Invitae Variant Classification Sherloc (09022015). Collection method: clinical testing. Allele origin: germline.
Comment: This sequence change replaces threonine, which is neutral and polar, with methionine, which is neutral and non-polar, at codon 202 of the BCL11B protein (p.Thr202Met). This variant is present in population databases (rs370505554, gnomAD 0.009%). This variant has not been reported in the literature in individuals affected with BCL11B-related conditions. ClinVar contains an entry for this variant (Variation ID: 1417011). Invitae Evidence Modeling of protein sequence and biophysical properties (such as structural, functional, and spatial information, amino acid conservation, physicochemical variation, residue mobility, and thermodynamic stability) indicates that this missense variant is not expected to disrupt BCL11B protein function with a negative predictive value of 95%. In summary, the available evidence is currently insufficient to determine the role of this variant in disease. Therefore, it has been classified as a Variant of Uncertain Significance.

Ambry Genetics
Classification: Likely benign for Inborn genetic diseases. Last evaluated: 2024-10-21. Review status: criteria provided, single submitter. Criteria: Ambry Variant Classification Scheme 2023. Collection method: clinical testing. Allele origin: germline.

Blueprint Genetics
Classification: Likely benign. Last evaluated: 2020-04-30. Review status: criteria provided, single submitter. Criteria: ACMG Guidelines, 2015. Collection method: clinical testing. Allele origin: germline.